The following is an entry in ClinVar:

ClinVar aggregate classification (germline): Benign. Review status: criteria provided, multiple submitters, no conflicts (2 of 4 stars). 4 submissions from 4 submitters: Benign (3). 1 of the submissions does not count toward it. Last evaluated 2025-04-09.

Conditions:
NRAP-related disorder. Also called: NRAP-related condition.

Allele frequency attached by ClinVar (database versions not stated): gnomAD 0.06022 and 0.06183; TOPMed 0.06169; ESP Exome Variant Server 0.06389; 1000 Genomes Project 30x 0.06605; 1000 Genomes Project 0.07009; ExAC 0.07417; gnomAD exomes 0.07448.

Submissions (4):

Molecular Diagnostic Laboratory for Inherited Cardiovascular Disease, Montreal Heart Institute
Classification: Benign. Last evaluated: 2025-04-09. Review status: criteria provided, single submitter. Criteria: ACMG Guidelines, 2015. Collection method: clinical testing. Allele origin: germline. Affected: no.

GeneDx
Classification: Benign. Last evaluated: 2021-05-05. Review status: criteria provided, single submitter. Criteria: GeneDx Variant Classification Process June 2021. Collection method: clinical testing. Allele origin: germline. Affected: yes.

Breakthrough Genomics
Classification: Benign. Review status: criteria provided, single submitter. Criteria: ACMG Guidelines, 2015. Collection method: not provided. Allele origin: germline. Inheritance: Unknown mechanism. Affected: yes.

PreventionGenetics, part of Exact Sciences
Classification: Benign for NRAP-related condition. Last evaluated: 2019-12-09. Review status: no assertion criteria provided. Collection method: clinical testing. Allele origin: germline. Not counted in ClinVar's aggregate classification.
Comment: This variant is classified as benign based on ACMG/AMP sequence variant interpretation guidelines (Richards et al. 2015 PMID: 25741868, with internal and published modifications).

NM_198060.4(NRAP):c.2897A>G (p.Asp966Gly)

Gene: NRAP (nebulin related anchoring protein; minus strand). Cytogenetic location: 10q25.3.
Variant type: single nucleotide variant.
Coding change: c.2897A>G on transcript NM_198060.4 (MANE Select); coding-DNA position 2897, A replaced by G.
Protein change: p.Asp966Gly; replaces aspartic acid 966 with glycine.
Molecular consequence: missense variant.
Genome position (GRCh38, 1-based): chr10:113,617,531, T>C on the plus strand (A>G on the coding strand, the complement: NRAP is on the minus strand). VCF-style: chr10-113617531-T-C. GRCh37 (hg19) VCF-style: chr10-115377290-T-C.
Other names: c.2897A>G, p.Asp966Gly (NM_001261463.2); c.2789A>G, p.Asp930Gly (NM_001322945.2); c.2792A>G, p.Asp931Gly (NM_006175.5); short protein forms D930G, D931G, D966G.
Identifiers: ClinVar variation 1276145 (VCV001276145.5), dbSNP rs77678145, ClinGen allele CA5695004.